The following is an entry in ClinVar:

ClinVar aggregate classification (germline): Conflicting classifications of pathogenicity. Review status: criteria provided, conflicting classifications (1 of 4 stars). 2 submissions from 2 submitters: Pathogenic (1); Uncertain significance (1). Last evaluated 2025-07-02.

Allele frequency attached by ClinVar (database versions not stated): gnomAD exomes below 0.00001.

Submissions (2):

Labcorp Genetics (formerly Invitae), Labcorp
Classification: Uncertain significance. Last evaluated: 2025-07-02. Review status: criteria provided, single submitter. Criteria: Invitae Variant Classification Sherloc (09022015). Collection method: clinical testing. Allele origin: germline.
Comment: This sequence change falls in intron 3 of the SERPINF1 gene. It does not directly change the encoded amino acid sequence of the SERPINF1 protein. It affects a nucleotide within the consensus splice site. This variant is not present in population databases (gnomAD no frequency). This variant has been observed in individuals with clinical features of osteogenesis imperfecta (external communication, internal data). ClinVar contains an entry for this variant (Variation ID: 449927). Variants that disrupt the consensus splice site are a relatively common cause of aberrant splicing (PMID: 17576681, 9536098). Algorithms developed to predict the effect of sequence changes on RNA splicing suggest that this variant may disrupt the consensus splice site. In summary, the available evidence is currently insufficient to determine the role of this variant in disease. Therefore, it has been classified as a Variant of Uncertain Significance.

GeneDx
Classification: Pathogenic. Last evaluated: 2023-07-26. Review status: criteria provided, single submitter. Criteria: GeneDx Variant Classification Process June 2021. Collection method: clinical testing. Allele origin: germline. Affected: yes.
Comment: Intronic variant directly or indirectly altering the +5 splice site in a gene for which loss of function is a known mechanism of disease, and splice predictors support a deleterious effect; Not observed at significant frequency in large population cohorts (gnomAD); Has not been previously published as pathogenic or benign to our knowledge

Literature cited by the submitters: PubMed 17576681 (cited by Labcorp Genetics (formerly Invitae), Labcorp); PubMed 9536098 (cited by Labcorp Genetics (formerly Invitae), Labcorp).

NM_002615.7(SERPINF1):c.283+3dup

Genes: SERPINF1 (serpin family F member 1; plus strand), LOC130059892 (ATAC-STARR-seq lymphoblastoid active region 11457; plus strand). Cytogenetic location: 17p13.3.
Variant type: Duplication.
Coding change: c.283+3dup on transcript NM_002615.7 (MANE Select); 3 bases into the intron after coding-DNA position 283, one base duplicated (G; older notation c.283+3dupG).
Molecular consequence: intron variant.
Genome position (GRCh38, 1-based): chr17:1,770,053, G duplicated. VCF-style (leftmost placement, unchanged base first): chr17-1770052-T-TG. GRCh37 (hg19) VCF-style: chr17-1673346-T-TG.
Other names: c.-279+3dup (NM_001329904.2); c.283+3dup (NM_001329903.2).
Identifiers: ClinVar variation 449927 (VCV000449927.4), dbSNP rs1555571967, ClinGen allele CA658658522.